The following is an entry in ClinVar:

ClinVar aggregate classification (germline): Likely pathogenic (1 of 4 stars; one submission).

Submission:

GeneDx
Classification: Likely pathogenic. Last evaluated: 2025-12-09. Review status: criteria provided, single submitter. Criteria: GeneDx Variant Classification Process June 2021. Collection method: clinical testing. Allele origin: germline.
Comment: Not observed at significant frequency in large population cohorts (gnomAD); Missense variants in this gene are a common cause of disease and they are underrepresented in the general population; In silico analysis suggests that this missense variant does not alter protein structure/function; Has not been previously published as pathogenic or benign to our knowledge; This variant is associated with the following publications: (PMID: 29493581)

NM_002880.4(RAF1):c.1189C>A (p.Leu397Met)

Gene: RAF1 (Raf-1 proto-oncogene, serine/threonine kinase; minus strand). Cytogenetic location: 3p25.2.
Variant type: single nucleotide variant.
Coding change: c.1189C>A on transcript NM_002880.4 (MANE Select); coding-DNA position 1189, C replaced by A.
Protein change: p.Leu397Met; replaces leucine 397 with methionine.
Molecular consequence: missense variant. On other transcripts: non-coding transcript variant (3).
Genome position (GRCh38, 1-based): chr3:12,591,712, G>T on the plus strand (C>A on the coding strand, the complement: RAF1 is on the minus strand). VCF-style: chr3-12591712-G-T. GRCh37 (hg19) VCF-style: chr3-12633211-G-T.
Other names: c.1249C>A, p.Leu417Met (NM_001354689.3); c.1189C>A, p.Leu397Met (NM_001354690.3); c.946C>A, p.Leu316Met (NM_001354691.3, NM_001354692.3); c.1090C>A, p.Leu364Met (NM_001354693.3); c.1006C>A, p.Leu336Met (NM_001354694.3); c.847C>A, p.Leu283Met (NM_001354695.3); short protein forms L283M, L316M, L336M, L364M, L397M, L417M.
Identifiers: ClinVar variation 4070605 (VCV004070605.2).
Genomic context (GRCh38, chr3:12,591,712, plus strand): 5'-CTTGTACTCCCCACTCCAGCACTCCAGAGGGACTGGACCGCCAGCTTTCTACTCACCGCA[G>T]AACAGCCACCTCATTCCTGAAGGCCTGGAATTGCTCTGGGGTTGGGTCGACAACCTTTAG-3'
Protein context (NP_002871.1, residues 387-407): FQAFRNEVAV[Leu397Met]RKTRHVNILL